The following is an entry in ClinVar:

NM_001191061.2(SLC25A22):c.494C>T (p.Ala165Val)

Gene: SLC25A22 (solute carrier family 25 member 22; minus strand). Cytogenetic location: 11p15.5.
Variant type: single nucleotide variant.
Coding change: c.494C>T on transcript NM_001191061.2 (MANE Select); coding-DNA position 494, C replaced by T.
Protein change: p.Ala165Val; replaces alanine 165 with valine.
Molecular consequence: missense variant.
Genome position (GRCh38, 1-based): chr11:792,646, G>A on the plus strand (C>T on the coding strand, the complement: SLC25A22 is on the minus strand). VCF-style: chr11-792646-G-A. GRCh37 (hg19) VCF-style: chr11-792646-G-A.
Other names: c.494C>T, p.Ala165Val (NM_001191060.2, NM_024698.6); short protein forms A165V.
Identifiers: ClinVar variation 843062 (VCV000843062.13), dbSNP rs752791901, ClinGen allele CA5789169.

ClinVar aggregate classification (germline): Conflicting classifications of pathogenicity. Review status: criteria provided, conflicting classifications (1 of 4 stars). 3 submissions from 3 submitters: Uncertain significance (2); Likely benign (1). Last evaluated 2023-05-31.

Conditions:
Early-infantile DEE. Also called: Early infantile epileptic encephalopathy; Early infantile epileptic encephalopathy with suppression bursts; Ohtahara syndrome. Identifiers: Orphanet 1934, MedGen C0393706, MONDO:0800491.
Inborn genetic diseases. Identifiers: MedGen C0950123, MeSH D030342.

Allele frequency attached by ClinVar (database versions not stated): gnomAD 0.00002; gnomAD exomes 0.00002 and 0.00003; TOPMed 0.00002; ExAC 0.00008.
gnomAD v4.1: 38 of 1,580,390 alleles (0.0024%); highest among the groups gnomAD compares: Non-Finnish European, 0.0033%; no homozygotes.

Submissions (3):

Blueprint Genetics
Classification: Likely benign. Last evaluated: 2023-05-31. Review status: criteria provided, single submitter. Criteria: ACMG Guidelines, 2015. Collection method: clinical testing. Allele origin: germline.

Labcorp Genetics (formerly Invitae), Labcorp
Classification: Uncertain significance for Early-infantile DEE. Last evaluated: 2022-09-07. Review status: criteria provided, single submitter. Criteria: Invitae Variant Classification Sherloc (09022015). Collection method: clinical testing. Allele origin: germline.
Comment: In summary, the available evidence is currently insufficient to determine the role of this variant in disease. Therefore, it has been classified as a Variant of Uncertain Significance. Algorithms developed to predict the effect of missense changes on protein structure and function output the following: SIFT: "Tolerated"; PolyPhen-2: "Benign"; Align-GVGD: "Class C0". The valine amino acid residue is found in multiple mammalian species, which suggests that this missense change does not adversely affect protein function. ClinVar contains an entry for this variant (Variation ID: 843062). This variant has not been reported in the literature in individuals affected with SLC25A22-related conditions. The frequency data for this variant in the population databases is considered unreliable, as metrics indicate poor data quality at this position in the gnomAD database. This sequence change replaces alanine, which is neutral and non-polar, with valine, which is neutral and non-polar, at codon 165 of the SLC25A22 protein (p.Ala165Val).

Ambry Genetics
Classification: Uncertain significance for Inborn genetic diseases. Last evaluated: 2017-06-29. Review status: criteria provided, single submitter. Criteria: Ambry Variant Classification Scheme 2023. Collection method: clinical testing. Allele origin: germline.
Comment: The p.A165V variant (also known as c.494C>T), located in coding exon 6 of the SLC25A22 gene, results from a C to T substitution at nucleotide position 494. The alanine at codon 165 is replaced by valine, an amino acid with similar properties. This amino acid position is poorly conserved in available vertebrate species, and valine is the reference amino acid in other vertebrate species. In addition, this alteration is predicted to be tolerated by in silico analysis. Since supporting evidence is limited at this time, the clinical significance of this alteration remains unclear.